The following is an entry in ClinVar:

NM_002878.4(RAD51D):c.919G>A (p.Glu307Lys)

Genes: RAD51L3-RFFL (RAD51L3-RFFL readthrough; minus strand), RAD51D (RAD51 paralog D; minus strand). Cytogenetic location: 17q12.
Variant type: single nucleotide variant.
Coding change: c.919G>A on transcript NM_002878.4 (MANE Select); coding-DNA position 919, G replaced by A.
Protein change: p.Glu307Lys; replaces glutamic acid 307 with lysine.
Molecular consequence: missense variant. On other transcripts: non-coding transcript variant (2).
Genome position (GRCh38, 1-based): chr17:35,101,021, C>T on the plus strand (G>A on the coding strand, the complement: RAD51D is on the minus strand). VCF-style: chr17-35101021-C-T. GRCh37 (hg19) VCF-style: chr17-33428040-C-T.
Other names: p.E307K:GAG>AAG; c.979G>A, p.Glu327Lys (NM_001142571.2); c.583G>A, p.Glu195Lys (NM_133629.3); short protein forms E307K, E195K, E327K.
Identifiers: ClinVar variation 127895 (VCV000127895.40), dbSNP rs115031549, ClinGen allele CA287990.
Genomic context (GRCh38, chr17:35,101,021, plus strand): 5'-GATCACCCTGTAATGTGGCACTCTGCTCTGAGGTCCCCCAGGTCCCAATGTCTACCATCT[C>T]CTGGAAACCTGTTGGCTGGAAGAAGAAGTAAGGAGTCAGTGGAGTTAAGCAACCCAAGTG-3'
Protein context (NP_002869.3, residues 297-317): KSSRQPTGFQ[Glu307Lys]MVDIGTWGTS

ClinVar aggregate classification (germline): Conflicting classifications of pathogenicity. Review status: criteria provided, conflicting classifications (1 of 4 stars). 14 submissions from 14 submitters: Uncertain significance (1); Benign (2); Likely benign (9). 2 of the submissions do not count toward it. Last evaluated 2026-01-31.

Conditions:
RAD51D-related disorder. Also called: RAD51D-related condition.
Breast and/or ovarian cancer. Identifiers: MedGen CN221562.
Hereditary cancer. Identifiers: MedGen C1333600.
Hereditary cancer-predisposing syndrome. Also called: Hereditary neoplastic syndrome; Neoplastic Syndromes, Hereditary; Hereditary Cancer Syndrome; Tumor predisposition. Identifiers: Orphanet 140162, MedGen C0027672, MeSH D009386, MONDO:0015356.
Breast-ovarian cancer, familial, susceptibility to, 4. Identifiers: Orphanet 145, MedGen C3280345, MONDO:0013669, OMIM 614291.
Malignant tumor of breast. Also called: Malignant breast neoplasm; Cancer breast. Identifiers: MedGen C0006142, MONDO:0007254. Disease mechanism: loss of function.

Allele frequency attached by ClinVar (database versions not stated): gnomAD exomes 0.00009 and 0.00023; ExAC 0.00021; 1000 Genomes Project 0.00060; gnomAD 0.00077 and 0.00083; 1000 Genomes Project 30x 0.00078; TOPMed 0.00090; ESP Exome Variant Server 0.00092.
gnomAD v4.1: 251 of 1,613,792 alleles (0.016%); highest among the groups gnomAD compares: African/African-American, 0.29%; 2 homozygotes.

Submissions (14):

Labcorp Genetics (formerly Invitae), Labcorp
Classification: Likely benign for Breast-ovarian cancer, familial, susceptibility to, 4. Last evaluated: 2026-01-31. Review status: criteria provided, single submitter. Criteria: Invitae Variant Classification Sherloc (09022015). Collection method: clinical testing. Allele origin: germline.

Quest Diagnostics Nichols Institute San Juan Capistrano
Classification: Likely benign. Last evaluated: 2025-08-05. Review status: criteria provided, single submitter. Criteria: Quest Diagnostics criteria. Collection method: clinical testing. Allele origin: unknown.

Mayo Clinic Laboratories, Mayo Clinic
Classification: Likely benign. Last evaluated: 2025-06-11. Review status: criteria provided, single submitter. Criteria: ACMG Guidelines, 2015. Collection method: clinical testing. Allele origin: germline. Observed: 1 variant allele.
Comment: BS1, BP4_moderate

Myriad Genetics, Inc.
Classification: Likely benign for Breast-ovarian cancer, familial, susceptibility to, 4. Last evaluated: 2024-12-13. Review status: criteria provided, single submitter. Criteria: Myriad Autosomal Dominant, Autosomal Recessive and X-Linked Classification Criteria (2023). Collection method: clinical testing. Allele origin: unknown.
Comment: This variant is considered likely benign. This variant is strongly associated with less severe personal and family histories of cancer, typical for individuals without pathogenic variants in this gene [PMID: 25085752].

Color Diagnostics, LLC DBA Color Health
Classification: Benign for Hereditary cancer-predisposing syndrome. Last evaluated: 2024-09-19. Review status: criteria provided, single submitter. Criteria: ACMG Guidelines, 2015. Collection method: clinical testing. Allele origin: germline.

Mendelics
Classification: Likely benign for Hereditary cancer. Last evaluated: 2024-09-11. Review status: criteria provided, single submitter. Criteria: ACMG Guidelines, 2015. Collection method: clinical testing. Allele origin: unknown.
Comment: This variant is considered likely benign or benign based on one or more of the following: it is predicted to be benign by multiple in silico algorithms, and/or has population frequency not consistent with disease, and/or has normal protein function, and/or has lack of segregation with disease, and/or has been detected in co-occurrence with known pathogenic variant, and/or has lack of disease association in case-control studies, and/or is located in a region inconsistent with a known cause of pathogenicity.

CHEO Genetics Diagnostic Laboratory, Children's Hospital of Eastern Ontario
Classification: Likely benign for Breast and/or ovarian cancer. Last evaluated: 2021-09-21. Review status: criteria provided, single submitter. Criteria: ACMG Guidelines, 2015. Collection method: clinical testing. Allele origin: germline.

Sema4
Classification: Likely benign for Hereditary cancer-predisposing syndrome. Last evaluated: 2021-04-13. Review status: criteria provided, single submitter. Criteria: Sema4 Curation Guidelines. Collection method: curation. Allele origin: germline.

GeneDx
Classification: Likely benign. Last evaluated: 2021-03-07. Review status: criteria provided, single submitter. Criteria: GeneDx Variant Classification Process June 2021. Collection method: clinical testing. Allele origin: germline. Affected: yes.
Comment: In silico analysis, which includes protein predictors and evolutionary conservation, supports that this variant does not alter protein structure/function; This variant is associated with the following publications: (PMID: 25186627, 28864920)

Ambry Genetics
Classification: Likely benign for Hereditary cancer-predisposing syndrome. Last evaluated: 2018-09-05. Review status: criteria provided, single submitter. Criteria: Ambry Variant Classification Scheme 2023. Collection method: clinical testing. Allele origin: germline.

Women's Health and Genetics/Laboratory Corporation of America, LabCorp
Classification: Benign. Last evaluated: 2018-07-31. Review status: criteria provided, single submitter. Criteria: LabCorp Variant Classification Summary - May 2015. Collection method: clinical testing. Allele origin: germline.
Comment: Variant summary: RAD51D c.919G>A (p.Glu307Lys) results in a conservative amino acid change located in the DNA recombination and repair protein Rad51-like, C-terminal domain of the encoded protein sequence. Five of five in-silico tools predict a benign effect of the variant on protein function. The variant was found in 78/277234 control chromosomes in gnomAD, but was observed primarily in the African subpopulation (70/24038 control chromosomes). The frequency within the African control individuals is more than 23-fold above the estimated maximal expected allele frequency for a pathogenic variant in RAD51D causing Hereditary Breast and Ovarian Cancer phenotype (0.00013). In addition, this variant has been found in 21/2559 African American women who are 70 years old or older and are cancer-free. These evidence strongly suggests that the variant is a benign polymorphism found primarily in populations of African origin. c.919G>A has been reported in the literature in individuals affected with Hereditary Breast and Ovarian Cancer without strong evidence for causality. To our knowledge, no experimental evidence demonstrating an impact on protein function has been reported. Four clinical diagnostic laboratories have submitted clinical-significance assessments for this variant to ClinVar after 2014 with conflicting assessments including uncertain significance (2x) and likely benign (2x). Based on the evidence outlined above, the variant was classified as benign.

Eurofins Ntd Llc (ga)
Classification: Uncertain significance. Last evaluated: 2018-03-09. Review status: criteria provided, single submitter. Criteria: EGL ClinVar v180209 classification definitions. Collection method: clinical testing. Allele origin: germline. Observed: 1 variant allele, 1 heterozygote.

PreventionGenetics, part of Exact Sciences
Classification: Likely benign for RAD51D-related condition. Last evaluated: 2022-02-11. Review status: no assertion criteria provided. Collection method: clinical testing. Allele origin: germline. Not counted in ClinVar's aggregate classification.
Comment: This variant is classified as likely benign based on ACMG/AMP sequence variant interpretation guidelines (Richards et al. 2015 PMID: 25741868, with internal and published modifications).

Department of Pathology and Laboratory Medicine, Sinai Health System
Classification: Likely benign for Malignant tumor of breast. Review status: no assertion criteria provided. Collection method: clinical testing. Allele origin: unknown. Affected: yes. Study: The Canadian Open Genetics Repository (COGR). Not counted in ClinVar's aggregate classification.
Comment: RAD51D, EXON10, c.919G>A, p.Glu307Lys, Heterozygous, Likely Benign The RAD51D p.Glu307Lys variant was identified in 2 of 4316 proband chromosomes (frequency: 0.0005) from individuals or families with breast cancer (Tung 2015). The variant was also identified in dbSNP (ID: rs115031549) as "With Uncertain Significance allele", in ClinVar with Conflicting interpretations of pathogenicity (as Benign by Integrated Genetics and Colour, as Likely benign by Invitae and Ambry and as Uncertain significance by Mendelics, Quest, GeneDx and EGL Genetics). The variant was identified in control databases in 78 of 277234 chromosomes at a frequency of 0.0003 increasing the likelihood this could be a low frequency benign variant (Genome Aggregation Database Feb 27, 2017). The variant was observed in the following populations: African in 70 of 24038 chromosomes (freq: 0.003), Other in 1 of 6468 chromosomes (freq: 0.0002), Latino in 7 of 34420 chromosomes (freq: 0.0002), but was not observed in the European Non-Finnish, Ashkenazi Jewish, East Asian, Finnish, and South Asian populations. The p.Glu307 residue is conserved in in mammals but not in more distantly related organisms however computational analyses (PolyPhen-2, SIFT, AlignGVGD, BLOSUM, MutationTaster) do not suggest a high likelihood of impact to the protein; this information is not predictive enough to rule out pathogenicity. The variant occurs outside of the splicing consensus sequence and in silico or computational prediction software programs (SpliceSiteFinder, MaxEntScan, NNSPLICE, GeneSplicer) do not predict a difference in splicing. In summary, based on the above information the clinical significance of this variant cannot be determined with certainty at this time although we would lean towards a more benign role for this variant. This variant is classified as likely benign. Assessment Date: 2019/07/29

Literature cited by the submitters: PubMed 35264596 (cited by Quest Diagnostics Nichols Institute San Juan Capistrano); PubMed 28864920 (cited by Quest Diagnostics Nichols Institute San Juan Capistrano and Women's Health and Genetics/Laboratory Corporation of America, LabCorp); PubMed 25186627 (cited by Quest Diagnostics Nichols Institute San Juan Capistrano and Women's Health and Genetics/Laboratory Corporation of America, LabCorp); PubMed 25085752 (cited by Myriad Genetics, Inc.).